The following is an entry in ClinVar:

ClinVar aggregate classification (germline): Conflicting classifications of pathogenicity. Review status: criteria provided, conflicting classifications (1 of 4 stars). 3 submissions from 3 submitters: Pathogenic (1); Likely pathogenic (1); Uncertain significance (1). Last evaluated 2026-02-03.

Conditions:
Congenital bile acid synthesis defect 3. Identifiers: Orphanet 79302, MedGen C3151147, MONDO:0013439, OMIM 613812.
Hereditary spastic paraplegia 5A (SPG5A). Also called: SPASTIC PARAPLEGIA 5A, AUTOSOMAL RECESSIVE. Identifiers: Orphanet 100986, MedGen C1849115, MONDO:0010047, OMIM 270800.
Spastic paraplegia. Identifiers: MedGen C0037772, HP:0001258.

Allele frequency attached by ClinVar (database versions not stated): TOPMed 0.00001; ExAC 0.00002; ESP Exome Variant Server 0.00008.
gnomAD v4.1: 5 of 1,613,970 alleles (0.00031%); highest among the groups gnomAD compares: African/African-American, 0.0027%; no homozygotes.

Submissions (3):

Labcorp Genetics (formerly Invitae), Labcorp
Classification: Pathogenic for Spastic paraplegia. Last evaluated: 2026-02-03. Review status: criteria provided, single submitter. Criteria: Invitae Variant Classification Sherloc (09022015). Collection method: clinical testing. Allele origin: germline.
Comment: This sequence change replaces arginine, which is basic and polar, with glutamine, which is neutral and polar, at codon 361 of the CYP7B1 protein (p.Arg361Gln). This variant is present in population databases (rs139816673, gnomAD 0.008%). This missense change has been observed in individual(s) with clinical features of hereditary spastic paraplegia (PMID: 24641183, 34782662, 35578252). In at least one individual the data is consistent with being in trans (on the opposite chromosome) from a pathogenic variant. ClinVar contains an entry for this variant (Variation ID: 2863524). Invitae Evidence Modeling of protein sequence and biophysical properties (such as structural, functional, and spatial information, amino acid conservation, physicochemical variation, residue mobility, and thermodynamic stability) indicates that this missense variant is expected to disrupt CYP7B1 protein function with a positive predictive value of 95%. For these reasons, this variant has been classified as Pathogenic.

CeGaT Center for Human Genetics Tuebingen
Classification: Uncertain significance. Last evaluated: 2024-10-01. Review status: criteria provided, single submitter. Criteria: CeGaT Center For Human Genetics Tuebingen Variant Classification Criteria Version 2. Collection method: clinical testing. Allele origin: germline. Affected: yes. Observed: 1 variant allele.
Comment: CYP7B1: PM2, PM3

Fulgent Genetics
Classification: Likely pathogenic for Hereditary spastic paraplegia 5A; Congenital bile acid synthesis defect 3. Last evaluated: 2024-04-20. Review status: criteria provided, single submitter. Criteria: ACMG Guidelines, 2015. Collection method: clinical testing. Allele origin: germline.

Literature cited by the submitters: PubMed 24641183 (cited by Labcorp Genetics (formerly Invitae), Labcorp); PubMed 34782662 (cited by Labcorp Genetics (formerly Invitae), Labcorp); PubMed 35578252 (cited by Labcorp Genetics (formerly Invitae), Labcorp).

NM_004820.5(CYP7B1):c.1082G>A (p.Arg361Gln)

Gene: CYP7B1 (cytochrome P450 family 7 subfamily B member 1; minus strand). Cytogenetic location: 8q12.3.
Variant type: single nucleotide variant.
Coding change: c.1082G>A on transcript NM_004820.5 (MANE Select); coding-DNA position 1082, G replaced by A.
Protein change: p.Arg361Gln; replaces arginine 361 with glutamine.
Molecular consequence: missense variant.
Genome position (GRCh38, 1-based): chr8:64,604,833, C>T on the plus strand (G>A on the coding strand, the complement: CYP7B1 is on the minus strand). VCF-style: chr8-64604833-C-T. GRCh37 (hg19) VCF-style: chr8-65517390-C-T.
Other names: c.1082G>A, p.Arg361Gln (NM_001324112.2); short protein forms R361Q.
Identifiers: ClinVar variation 2863524 (VCV002863524.18), dbSNP rs139816673, ClinGen allele CA4764051.